The following is an entry in ClinVar:

ClinVar aggregate classification (germline): Uncertain significance (1 of 4 stars; one submission).

Allele frequency attached by ClinVar (database versions not stated): gnomAD 0.00001.
gnomAD v4.1: 7 of 1,595,640 alleles (0.00044%); highest among the groups gnomAD compares: South Asian, 0.0011%; no homozygotes.

Submission:

Greenwood Genetic Center Diagnostic Laboratories, Greenwood Genetic Center
Classification: Uncertain significance. Last evaluated: 2022-04-04. Review status: criteria provided, single submitter. Criteria: ACMG Guidelines, 2015. Collection method: clinical testing. Allele origin: germline. Affected: yes.
Comment: PM2, PP2

NM_001005273.3(CHD3):c.301C>T (p.Arg101Trp)

Gene: CHD3 (chromodomain helicase DNA binding protein 3; plus strand). Cytogenetic location: 17p13.1.
Variant type: single nucleotide variant.
Coding change: c.301C>T on transcript NM_001005273.3 (MANE Select); coding-DNA position 301, C replaced by T.
Protein change: p.Arg101Trp; replaces arginine 101 with tryptophan.
Molecular consequence: missense variant.
Genome position (GRCh38, 1-based): chr17:7,890,658, C>T. VCF-style: chr17-7890658-C-T. GRCh37 (hg19) VCF-style: chr17-7793976-C-T.
Other names: c.478C>T, p.Arg160Trp (NM_001005271.3); c.301C>T, p.Arg101Trp (NM_005852.4); short protein forms R101W, R160W.
Identifiers: ClinVar variation 1703117 (VCV001703117.3), dbSNP rs1968713275, ClinGen allele CA397935271.